The following is an entry in ClinVar:

NM_000264.5(PTCH1):c.2057C>G (p.Ser686Cys)

Genes: PTCH1 (patched 1; minus strand), LOC100507346 (uncharacterized LOC100507346; plus strand). Cytogenetic location: 9q22.32.
Variant type: single nucleotide variant.
Coding change: c.2057C>G on transcript NM_000264.5 (MANE Select); coding-DNA position 2057, C replaced by G.
Protein change: p.Ser686Cys; replaces serine 686 with cysteine.
Molecular consequence: missense variant. On other transcripts: non-coding transcript variant (2).
Genome position (GRCh38, 1-based): chr9:95,468,944, G>C on the plus strand (C>G on the coding strand, the complement: PTCH1 is on the minus strand). VCF-style: chr9-95468944-G-C. GRCh37 (hg19) VCF-style: chr9-98231226-G-C.
Other names: c.2057C>G (NM_000264.3); c.1859C>G, p.Ser620Cys (NM_001083602.3); c.2054C>G, p.Ser685Cys (NM_001083603.3); c.1604C>G, p.Ser535Cys (NM_001083604.3, NM_001083605.3, NM_001083606.3 and 1 more transcripts); c.1901C>G, p.Ser634Cys (NM_001354918.2); short protein forms S535C, S685C, S686C, S634C, S620C.
Identifiers: ClinVar variation 1034845 (VCV001034845.10), dbSNP rs1373585633, ClinGen allele CA374115745.

ClinVar aggregate classification (germline): Uncertain significance. Review status: criteria provided, multiple submitters, no conflicts (2 of 4 stars). 2 submissions from 2 submitters: Uncertain significance (2). Last evaluated 2024-12-14.

Conditions:
Hereditary cancer-predisposing syndrome. Also called: Neoplastic Syndromes, Hereditary; Hereditary Cancer Syndrome; Tumor predisposition; Hereditary neoplastic syndrome. Identifiers: Orphanet 140162, MedGen C0027672, MeSH D009386, MONDO:0015356.
Gorlin syndrome. Also called: Basal cell nevus syndrome; Nevoid Basal Cell Carcinoma Syndrome. Identifiers: Orphanet 377, MedGen C0004779, MONDO:0007187.

Submissions (2):

Ambry Genetics
Classification: Uncertain significance for Hereditary cancer-predisposing syndrome. Last evaluated: 2024-12-14. Review status: criteria provided, single submitter. Criteria: Ambry Variant Classification Scheme 2023. Collection method: clinical testing. Allele origin: germline.
Comment: The p.S686C variant (also known as c.2057C>G), located in coding exon 14 of the PTCH1 gene, results from a C to G substitution at nucleotide position 2057. The serine at codon 686 is replaced by cysteine, an amino acid with dissimilar properties. This amino acid position is conserved. In addition, this alteration is predicted to be deleterious by in silico analysis. Based on the available evidence, the clinical significance of this variant remains unclear.

Labcorp Genetics (formerly Invitae), Labcorp
Classification: Uncertain significance for Gorlin syndrome. Last evaluated: 2020-08-04. Review status: criteria provided, single submitter. Criteria: Invitae Variant Classification Sherloc (09022015). Collection method: clinical testing. Allele origin: germline.
Comment: In summary, the available evidence is currently insufficient to determine the role of this variant in disease. Therefore, it has been classified as a Variant of Uncertain Significance. Advanced modeling of protein sequence and biophysical properties (such as structural, functional, and spatial information, amino acid conservation, physicochemical variation, residue mobility, and thermodynamic stability) performed at Invitae indicates that this missense variant is not expected to disrupt PTCH1 protein function. This variant has not been reported in the literature in individuals with PTCH1-related conditions. This variant is not present in population databases (ExAC no frequency). This sequence change replaces serine with cysteine at codon 686 of the PTCH1 protein (p.Ser686Cys). The serine residue is moderately conserved and there is a moderate physicochemical difference between serine and cysteine.